The following is an entry in ClinVar:

ClinVar aggregate classification (germline): Conflicting classifications of pathogenicity. Review status: criteria provided, conflicting classifications (1 of 4 stars). 11 submissions from 7 submitters: Uncertain significance (6); Benign (2); Likely benign (3). Last evaluated 2025-12-17.

Conditions:
Autosomal recessive limb-girdle muscular dystrophy type 2J (LGMDR10). Also called: Limb-girdle muscular dystrophy, type 2J; MUSCULAR DYSTROPHY, LIMB-GIRDLE, AUTOSOMAL RECESSIVE 10. Identifiers: Orphanet 140922, MedGen C1837342, MONDO:0012127, OMIM 608807.
Dilated cardiomyopathy 1G (CMD1G). Identifiers: Orphanet 154, MedGen C1858763, MONDO:0011400, OMIM 604145.
Early-onset myopathy with fatal cardiomyopathy (CMYO5). Also called: Salih Myopathy; CONGENITAL MYOPATHY 5 WITH CARDIOMYOPATHY. Identifiers: Orphanet 289377, MedGen C2673677, MONDO:0012714, OMIM 611705. Disease mechanism: loss of function.
Myopathy, myofibrillar, 9, with early respiratory failure (MFM9). Also called: EDSTROM MYOPATHY; MYOPATHY, PROXIMAL, WITH EARLY RESPIRATORY MUSCLE INVOLVEMENT; Myopathy, distal, with early respiratory failure, autosomal dominant; Hereditary myopathy with early respiratory failure. Identifiers: Orphanet 178464, Orphanet 34521, MedGen C1863599, MONDO:0011362, OMIM 603689.
Tibial muscular dystrophy (TMD). Also called: Tibial muscular dystrophy, tardive; UDD MYOPATHY; Udd Distal Myopathy – Tibial Muscular Dystrophy. Identifiers: Orphanet 609, MedGen C1838244, MONDO:0010870, OMIM 600334.

Allele frequency attached by ClinVar (database versions not stated): gnomAD 0.00001 and 0.00007; TOPMed 0.00003; gnomAD exomes 0.00015; 1000 Genomes Project 30x 0.00016; ExAC 0.00019; 1000 Genomes Project 0.00020.
gnomAD v4.1: 150 of 1,613,016 alleles (0.0093%); highest among the groups gnomAD compares: South Asian, 0.11%; no homozygotes.

Submissions (11):

Labcorp Genetics (formerly Invitae), Labcorp
Classification: Likely benign for Dilated cardiomyopathy 1G; Autosomal recessive limb-girdle muscular dystrophy type 2J. Last evaluated: 2025-12-17. Review status: criteria provided, single submitter. Criteria: Invitae Variant Classification Sherloc (09022015). Collection method: clinical testing. Allele origin: germline.

Blueprint Genetics
Classification: Likely benign. Last evaluated: 2024-08-29. Review status: criteria provided, single submitter. Criteria: ACMG Guidelines, 2015. Collection method: clinical testing. Allele origin: germline.

Mayo Clinic Laboratories, Mayo Clinic
Classification: Uncertain significance. Last evaluated: 2024-07-31. Review status: criteria provided, single submitter. Criteria: ACMG Guidelines, 2015. Collection method: clinical testing. Allele origin: germline. Observed: 1 variant allele.

CeGaT Center for Human Genetics Tuebingen
Classification: Uncertain significance. Last evaluated: 2021-06-01. Review status: criteria provided, single submitter. Criteria: CeGaT Center For Human Genetics Tuebingen Variant Classification Criteria Version 2. Collection method: clinical testing. Allele origin: germline. Affected: yes. Observed: 1 variant allele.

GeneDx
Classification: Likely benign. Last evaluated: 2019-07-05. Review status: criteria provided, single submitter. Criteria: GeneDx Variant Classification Process June 2021. Collection method: clinical testing. Allele origin: germline. Affected: yes.

Baylor Genetics
Classification: Uncertain significance for Myopathy, myofibrillar, 9, with early respiratory failure. Last evaluated: 2018-04-25. Review status: criteria provided, single submitter. Criteria: ACMG Guidelines, 2015. Collection method: clinical testing. Allele origin: paternal. Affected: yes.
Comment: This variant was determined to be of uncertain significance according to ACMG Guidelines, 2015 [PMID:25741868].

Illumina Laboratory Services, Illumina
Classification: Uncertain significance for Early-onset myopathy with fatal cardiomyopathy. Last evaluated: 2018-01-12. Review status: criteria provided, single submitter. Criteria: ICSL Variant Classification Criteria 13 December 2019. Collection method: clinical testing. Allele origin: germline.

Illumina Laboratory Services, Illumina
Classification: Uncertain significance for Dilated cardiomyopathy 1G. Last evaluated: 2018-01-12. Review status: criteria provided, single submitter. Criteria: ICSL Variant Classification Criteria 13 December 2019. Collection method: clinical testing. Allele origin: germline.

Illumina Laboratory Services, Illumina
Classification: Benign for Tibial muscular dystrophy. Last evaluated: 2018-01-12. Review status: criteria provided, single submitter. Criteria: ICSL Variant Classification Criteria 13 December 2019. Collection method: clinical testing. Allele origin: germline.
Comment: This variant was observed in the ICSL laboratory as part of a predisposition screen in an ostensibly healthy population. It had not been previously curated by ICSL or reported in the Human Gene Mutation Database (HGMD: prior to June 1st, 2018), and was therefore a candidate for classification through an automated scoring system. Utilizing variant allele frequency, disease prevalence and penetrance estimates, and inheritance mode, an automated score was calculated to assess if this variant is too frequent to cause the disease. Based on the score and internal cut-off values, a variant classified as benign is not then subjected to further curation. The score for this variant resulted in a classification of benign for this disease.

Illumina Laboratory Services, Illumina
Classification: Benign for Myopathy, myofibrillar, 9, with early respiratory failure. Last evaluated: 2018-01-12. Review status: criteria provided, single submitter. Criteria: ICSL Variant Classification Criteria 13 December 2019. Collection method: clinical testing. Allele origin: germline.
Comment: the same text as in the submission from Illumina Laboratory Services, Illumina above.

Illumina Laboratory Services, Illumina
Classification: Uncertain significance for Autosomal recessive limb-girdle muscular dystrophy type 2J. Last evaluated: 2018-01-12. Review status: criteria provided, single submitter. Criteria: ICSL Variant Classification Criteria 13 December 2019. Collection method: clinical testing. Allele origin: germline.

NM_001267550.2(TTN):c.52948G>A (p.Ala17650Thr)

Genes: TTN (titin; minus strand), TTN-AS1 (TTN antisense RNA 1; plus strand), LOC126806425 (BRD4-independent group 4 enhancer GRCh37_chr2:179471933-179473132; plus strand). Cytogenetic location: 2q31.2.
Variant type: single nucleotide variant.
Coding change: c.52948G>A on transcript NM_001267550.2 (MANE Select); coding-DNA position 52948, G replaced by A.
Protein change: p.Ala17650Thr; replaces alanine 17650 with threonine.
Molecular consequence: missense variant.
Genome position (GRCh38, 1-based): chr2:178,607,839, C>T on the plus strand (G>A on the coding strand, the complement: TTN is on the minus strand). VCF-style: chr2-178607839-C-T. GRCh37 (hg19) VCF-style: chr2-179472566-C-T.
Other names: p.A16009T:GCA>ACA; p.Ala15082Thr; c.48025G>A, p.Ala16009Thr (NM_001256850.1); c.25753G>A, p.Ala8585Thr (NM_003319.4); c.45244G>A, p.Ala15082Thr (NM_133378.4); c.26128G>A, p.Ala8710Thr (NM_133432.3); c.26329G>A, p.Ala8777Thr (NM_133437.4); short protein forms A16009T, A17650T, A15082T, A8710T, A8777T, A8585T.
Identifiers: ClinVar variation 202706 (VCV000202706.55), dbSNP rs535008556, ClinGen allele CA310040.